The following is an entry in ClinVar:

ClinVar aggregate classification (germline): Uncertain significance (1 of 4 stars; one submission).

Submission:

Labcorp Genetics (formerly Invitae), Labcorp
Classification: Uncertain significance. Last evaluated: 2023-06-28. Review status: criteria provided, single submitter. Criteria: Invitae Variant Classification Sherloc (09022015). Collection method: clinical testing. Allele origin: germline.
Comment: In summary, the available evidence is currently insufficient to determine the role of this variant in disease. Therefore, it has been classified as a Variant of Uncertain Significance. An algorithm developed to predict the effect of missense changes on protein structure and function (PolyPhen-2) suggests that this variant is likely to be tolerated. This variant has not been reported in the literature in individuals affected with CD81-related conditions. This variant is not present in population databases (gnomAD no frequency). This sequence change replaces glycine, which is neutral and non-polar, with glutamic acid, which is acidic and polar, at codon 200 of the CD81 protein (p.Gly200Glu).

NM_004356.4(CD81):c.599G>A (p.Gly200Glu)

Gene: CD81 (CD81 molecule; plus strand). Cytogenetic location: 11p15.5.
Variant type: single nucleotide variant.
Coding change: c.599G>A on transcript NM_004356.4 (MANE Select); coding-DNA position 599, G replaced by A.
Protein change: p.Gly200Glu; replaces glycine 200 with glutamic acid.
Molecular consequence: missense variant.
Genome position (GRCh38, 1-based): chr11:2,396,665, G>A. VCF-style: chr11-2396665-G-A. GRCh37 (hg19) VCF-style: chr11-2417895-G-A.
Other names: c.386G>A, p.Gly129Glu (NM_001297649.2, NM_001425129.1, NM_001425130.1 and 3 more transcripts); c.722G>A, p.Gly241Glu (NM_001425135.1); c.596G>A, p.Gly199Glu (NM_001425137.1); c.383G>A, p.Gly128Glu (NM_001425138.1); short protein forms G128E, G129E, G199E, G200E, G241E.
Identifiers: ClinVar variation 2822983 (VCV002822983.3), dbSNP rs2496546411, ClinGen allele CA379125210.
Genomic context (GRCh38, chr11:2,396,665, plus strand): 5'-CGCGTGCCTGGCCACCCCTGCAGGAGGACTGCCACCAGAAGATCGATGACCTCTTCTCCG[G>A]GAAGCTGTACCTCATCGGCATTGCTGCCATCGTGGTCGCTGTGATCATGGTGAGCGGGCG-3'
Protein context (NP_004347.1, residues 190-210): CHQKIDDLFS[Gly200Glu]KLYLIGIAAI